The following is an entry in ClinVar:

NM_000551.4(VHL):c.69C>A (p.Tyr23Ter)

Gene: VHL (von Hippel-Lindau tumor suppressor; plus strand). Cytogenetic location: 3p25.3.
Variant type: single nucleotide variant.
Coding change: c.69C>A on transcript NM_000551.4 (MANE Select); coding-DNA position 69, C replaced by A.
Protein change: p.Tyr23Ter; replaces tyrosine 23 with a stop codon.
Molecular consequence: nonsense.
Genome position (GRCh38, 1-based): chr3:10,141,916, C>A. VCF-style: chr3-10141916-C-A. GRCh37 (hg19) VCF-style: chr3-10183600-C-A.
Other names: c.69C>A, p.Tyr23Ter (NM_001354723.2, NM_198156.3); short protein forms Y23*.
Identifiers: ClinVar variation 548874 (VCV000548874.10), dbSNP rs1553619313, ClinGen allele CA351747398.
Genomic context (GRCh38, chr3:10,141,916, plus strand): 5'-GAGGGCGGAGAACTGGGACGAGGCCGAGGTAGGCGCGGAGGAGGCAGGCGTCGAAGAGTA[C>A]GGCCCTGAAGAAGACGGCGGGGAGGAGTCGGGCGCCGAGGAGTCCGGCCCGGAAGAGTCC-3'

ClinVar aggregate classification (germline): Uncertain significance. Review status: criteria provided, multiple submitters, no conflicts (2 of 4 stars). 3 submissions from 3 submitters: Uncertain significance (2). 1 of the submissions does not count toward it. Last evaluated 2025-06-05.

Conditions:
Chuvash polycythemia. Also called: POLYCYTHEMIA, VHL-DEPENDENT. Identifiers: Orphanet 238557, MedGen C1837915, MONDO:0009892, OMIM 263400.
Von Hippel-Lindau syndrome (VHLS). Also called: VHL syndrome; Von Hippel-Lindau; von Hippel–Lindau syndrome. Identifiers: Orphanet 892, MedGen C0019562, MONDO:0008667, OMIM 193300. Disease mechanism: loss of function.
Hereditary cancer-predisposing syndrome. Also called: Neoplastic Syndromes, Hereditary; Hereditary neoplastic syndrome; Tumor predisposition; Hereditary Cancer Syndrome. Identifiers: Orphanet 140162, MedGen C0027672, MeSH D009386, MONDO:0015356.

Submissions (3):

Ambry Genetics
Classification: Uncertain significance for Hereditary cancer-predisposing syndrome. Last evaluated: 2025-06-05. Review status: criteria provided, single submitter. Criteria: Ambry Variant Classification Scheme 2023. Collection method: clinical testing. Allele origin: germline.
Comment: The p.Y23* variant (also known as c.69C>A), located in coding exon 1 of the VHL gene, results from a C to A substitution at nucleotide position 69. This changes the amino acid from a tyrosine to a stop codon within coding exon 1.Premature stop codons are typically deleterious in nature; however, an alternate initiation codon exists 31 amino acids downstream from this alteration, and is reported to result in a biologically active isoform known as VHL 19 (Iliopoulos O et al, Proc. Natl. Acad. Sci. U.S.A. 1998 Sep; 95(20):11661-6. Schoenfeld A et al, Proc. Natl. Acad. Sci. U.S.A. 1998 Jul; 95(15):8817-22). Since supporting evidence is limited at this time, the clinical significance of this alteration remains unclear.

Labcorp Genetics (formerly Invitae), Labcorp
Classification: Uncertain significance for Von Hippel-Lindau syndrome; Chuvash polycythemia. Last evaluated: 2024-10-24. Review status: criteria provided, single submitter. Criteria: Invitae Variant Classification Sherloc (09022015). Collection method: clinical testing. Allele origin: germline.
Comment: This sequence change creates a premature translational stop signal (p.Tyr23*) in the VHL gene. While this is not anticipated to result in nonsense mediated decay, it is expected to disrupt the last 191 amino acid(s) of the VHL protein. This variant is not present in population databases (gnomAD no frequency). This variant has not been reported in the literature in individuals affected with VHL-related conditions. ClinVar contains an entry for this variant (Variation ID: 548874). In summary, the available evidence is currently insufficient to determine the role of this variant in disease. Therefore, it has been classified as a Variant of Uncertain Significance.

Counsyl
Classification: Uncertain significance for Von Hippel-Lindau syndrome. Last evaluated: 2018-03-26. Review status: no assertion criteria provided. Collection method: clinical testing. Allele origin: unknown. Not counted in ClinVar's aggregate classification.